The following is an entry in ClinVar:

ClinVar aggregate classification (germline): Pathogenic (1 of 4 stars; one submission).

Conditions:
Tuberous sclerosis 2 (TSC2). Identifiers: Orphanet 805, MedGen C1860707, MONDO:0013199, OMIM 613254.

Submission:

Labcorp Genetics (formerly Invitae), Labcorp
Classification: Pathogenic for Tuberous sclerosis 2. Last evaluated: 2022-03-15. Review status: criteria provided, single submitter. Criteria: Invitae Variant Classification Sherloc (09022015). Collection method: clinical testing. Allele origin: germline.
Comment: This variant is a gross deletion of the genomic region encompassing exon(s) 1-15 of the TSC2 gene, which includes the initiator codon. This deletion extends beyond the assayed region for this gene and therefore may encompass additional genes. It is expected to result in an absent or disrupted protein product. Loss-of-function variants in TSC2 are known to be pathogenic (PMID: 10205261, 17304050). A similar copy number variant has been observed in individual(s) with tuberous sclerosis (PMID: 17287951, 20498439). For these reasons, this variant has been classified as Pathogenic.

Literature cited by the submitters: PubMed 10205261; PubMed 17304050; PubMed 17287951; PubMed 20498439.

NC_000016.9:g.(?_2097690)_(2114448_?)del

Genes: NTHL1 (nth like DNA glycosylase 1; minus strand), TSC2 (TSC complex subunit 2; plus strand). Cytogenetic location: 16p13.3.
Variant type: Deletion.
Identifiers: ClinVar variation 2423310 (VCV002423310.3).